The following is an entry in ClinVar:

NM_000059.4(BRCA2):c.9804A>C (p.Arg3268Ser)

Gene: BRCA2 (BRCA2 DNA repair associated; plus strand). Cytogenetic location: 13q13.1.
Variant type: single nucleotide variant.
Coding change: c.9804A>C on transcript NM_000059.4 (MANE Select); coding-DNA position 9804, A replaced by C.
Protein change: p.Arg3268Ser; replaces arginine 3268 with serine.
Molecular consequence: missense variant. On other transcripts: non-coding transcript variant (1).
Genome position (GRCh38, 1-based): chr13:32,398,317, A>C. VCF-style: chr13-32398317-A-C. GRCh37 (hg19) VCF-style: chr13-32972454-A-C.
Other names: c.9708A>C, p.Arg3236Ser (NM_001406719.1); c.9753A>C, p.Arg3251Ser (NM_001406720.1); c.4872A>C, p.Arg1624Ser (NM_001406721.1); c.3387A>C, p.Arg1129Ser (NM_001406722.1); c.9804A>C, p.Arg3268Ser (NM_001432077.1); short protein forms R3251S, R1624S, R1129S, R3236S, R3268S.
Identifiers: ClinVar variation 4215917 (VCV004215917.1).

ClinVar aggregate classification (germline): Uncertain significance (1 of 4 stars; one submission).

Conditions:
Hereditary cancer-predisposing syndrome. Also called: Hereditary Cancer Syndrome; Hereditary neoplastic syndrome; Neoplastic Syndromes, Hereditary; Tumor predisposition. Identifiers: Orphanet 140162, MedGen C0027672, MeSH D009386, MONDO:0015356.

gnomAD v4.1: 2 of 1,614,192 alleles (0.00012%); highest among the groups gnomAD compares: Non-Finnish European, 0.00017%; no homozygotes.

Submission:

Ambry Genetics
Classification: Uncertain significance for Hereditary cancer-predisposing syndrome. Last evaluated: 2025-08-20. Review status: criteria provided, single submitter. Criteria: Ambry Variant Classification Scheme 2023. Collection method: clinical testing. Allele origin: germline.
Comment: The p.R3268S variant (also known as c.9804A>C), located in coding exon 26 of the BRCA2 gene, results from an A to C substitution at nucleotide position 9804. The arginine at codon 3268 is replaced by serine, an amino acid with dissimilar properties. This amino acid position is conserved. In addition, this alteration is predicted to be tolerated by in silico analysis. Based on the available evidence, the clinical significance of this variant remains unclear.